The following is an entry in ClinVar:

ClinVar aggregate classification (germline): Pathogenic/Likely pathogenic. Review status: criteria provided, multiple submitters, no conflicts (2 of 4 stars). 7 submissions from 7 submitters: Pathogenic (1); Likely pathogenic (6). Last evaluated 2025-09-02.

Conditions:
PRF1-related disorder. Also called: PRF1-related condition.
Lymphoma, non-Hodgkin, familial. Identifiers: MedGen C4721532, MONDO:0011508, OMIM 605027.
Aplastic anemia. Identifiers: Orphanet 182040, Orphanet 88, MedGen C0002874, MONDO:0015909, OMIM 609135, HP:0001915.
Familial hemophagocytic lymphohistiocytosis 2 (FHL2). Also called: PRF1-Related Familial Hemophagocytic Lymphohistiocytosis (PRF1-fHLH). Identifiers: Orphanet 540, MedGen C1863727, MONDO:0011337, OMIM 603553.
Autoinflammatory syndrome. Identifiers: Orphanet 93665, MedGen C3890737, MONDO:0019751.
Familial hemophagocytic lymphohistiocytosis (FHL). Also called: Familial erythrophagocytic lymphohistiocytosis; Familial histiocytic reticulosis; Hereditary hemophagocytic lymphohistiocytosis. Identifiers: Orphanet 158038, Orphanet 540, MedGen C0272199, MONDO:0015541.

Allele frequency attached by ClinVar (database versions not stated): gnomAD 0.00001; ExAC 0.00002; gnomAD exomes 0.00003; TOPMed 0.00006.
gnomAD v4.1: 37 of 1,614,096 alleles (0.0023%); highest among the groups gnomAD compares: South Asian, 0.0044%; no homozygotes.

Submissions (7):

Labcorp Genetics (formerly Invitae), Labcorp
Classification: Likely pathogenic for Familial hemophagocytic lymphohistiocytosis 2. Last evaluated: 2025-09-02. Review status: criteria provided, single submitter. Criteria: Invitae Variant Classification Sherloc (09022015). Collection method: clinical testing. Allele origin: germline.
Comment: This sequence change replaces glycine, which is neutral and non-polar, with serine, which is neutral and polar, at codon 306 of the PRF1 protein (p.Gly306Ser). This variant is present in population databases (rs763002067, gnomAD 0.006%). This missense change has been observed in individuals with hemophagocytic lymphohistiocytosis (PMID: 17606450, 22249210, 25233452, 26739415). ClinVar contains an entry for this variant (Variation ID: 468311). Invitae Evidence Modeling of protein sequence and biophysical properties (such as structural, functional, and spatial information, amino acid conservation, physicochemical variation, residue mobility, and thermodynamic stability) indicates that this missense variant is expected to disrupt PRF1 protein function with a positive predictive value of 95%. This variant disrupts the p.Gly306 amino acid residue in PRF1. Other variant(s) that disrupt this residue have been observed in individuals with PRF1-related conditions (PMID: 33746956), which suggests that this may be a clinically significant amino acid residue. In summary, the currently available evidence indicates that the variant is pathogenic, but additional data are needed to prove that conclusively. Therefore, this variant has been classified as Likely Pathogenic.

Blueprint Genetics
Classification: Likely pathogenic for PRF1-related disorders. Last evaluated: 2024-09-08. Review status: criteria provided, single submitter. Criteria: ACMG Guidelines, 2015. Collection method: clinical testing. Allele origin: germline. Affected: yes. Observed: 5 variant alleles.

Women's Health and Genetics/Laboratory Corporation of America, LabCorp
Classification: Likely pathogenic for Familial hemophagocytic lymphohistiocytosis. Last evaluated: 2024-07-19. Review status: criteria provided, single submitter. Criteria: LabCorp Variant Classification Summary - May 2015. Collection method: clinical testing. Allele origin: germline.
Comment: Variant summary: PRF1 c.916G>A (p.Gly306Ser) results in a non-conservative amino acid change located in the Membrane attack complex component/perforin (MACPF) domain (IPR020864) of the encoded protein sequence. Five of five in-silico tools predict a damaging effect of the variant on protein function. The variant allele was found at a frequency of 2.8e-05 in 251458 control chromosomes. c.916G>A has been reported in the literature in individuals affected with Familial Hemophagocytic Lymphohistiocytosis (Gao_2016, Nagafuji_2007, Wang_2012). These data indicate that the variant may be associated with disease. A different variant affecting the same codon has been classified as pathogenic by our lab (c.916G>T, p.Gly306Cys), supporting the critical relevance of codon 306 to PRF1 protein function. To our knowledge, no experimental evidence demonstrating an impact on protein function has been reported. The following publications have been ascertained in the context of this evaluation (PMID: 26739415, 17606450, 22249210). ClinVar contains an entry for this variant (Variation ID: 468311). Based on the evidence outlined above, the variant was classified as likely pathogenic.

Baylor Genetics
Classification: Likely pathogenic for Aplastic anemia. Last evaluated: 2024-03-16. Review status: criteria provided, single submitter. Criteria: ACMG Guidelines, 2015. Collection method: clinical testing. Allele origin: unknown.

Fulgent Genetics
Classification: Pathogenic for Familial hemophagocytic lymphohistiocytosis 2; Lymphoma, non-Hodgkin, familial; Aplastic anemia. Last evaluated: 2024-01-22. Review status: criteria provided, single submitter. Criteria: ACMG Guidelines, 2015. Collection method: clinical testing. Allele origin: germline.

Genome Diagnostics Laboratory, The Hospital for Sick Children
Classification: Likely pathogenic for Autoinflammatory syndrome. Last evaluated: 2017-01-30. Review status: criteria provided, single submitter. Criteria: ACMG Guidelines, 2015. Collection method: clinical testing. Allele origin: germline. Affected: yes.

Juno Genomics, Hangzhou Juno Genomics, Inc
Classification: Likely pathogenic for Familial hemophagocytic lymphohistiocytosis 2. Review status: criteria provided, single submitter. Criteria: ACMG Guidelines, 2015. Collection method: clinical testing. Allele origin: germline.
Comment: Absent from controls (or at extremely low frequency if recessive) in Genome Aggregation Database.;Multiple lines of computational evidence support a deleterious effect on the gene or gene product.;For recessive disorders, detected in trans with a pathogenic variant.;Patient's phenotype or family history is highly specific for a disease with a single genetic etiology.

Literature cited by the submitters: PubMed 17606450 (cited by Labcorp Genetics (formerly Invitae), Labcorp and Women's Health and Genetics/Laboratory Corporation of America, LabCorp); PubMed 22249210 (cited by Labcorp Genetics (formerly Invitae), Labcorp and Women's Health and Genetics/Laboratory Corporation of America, LabCorp); PubMed 25233452 (cited by Labcorp Genetics (formerly Invitae), Labcorp); PubMed 26739415 (cited by Labcorp Genetics (formerly Invitae), Labcorp and Women's Health and Genetics/Laboratory Corporation of America, LabCorp); PubMed 33746956 (cited by Labcorp Genetics (formerly Invitae), Labcorp).

NM_001083116.3(PRF1):c.916G>A (p.Gly306Ser)

Gene: PRF1 (perforin 1; minus strand). Cytogenetic location: 10q22.1.
Variant type: single nucleotide variant.
Coding change: c.916G>A on transcript NM_001083116.3 (MANE Select); coding-DNA position 916, G replaced by A.
Protein change: p.Gly306Ser; replaces glycine 306 with serine.
Molecular consequence: missense variant.
Genome position (GRCh38, 1-based): chr10:70,598,805, C>T on the plus strand (G>A on the coding strand, the complement: PRF1 is on the minus strand). VCF-style: chr10-70598805-C-T. GRCh37 (hg19) VCF-style: chr10-72358561-C-T.
Other names: c.916G>A, p.Gly306Ser (NM_005041.6); short protein forms G306S.
Identifiers: ClinVar variation 468311 (VCV000468311.16), dbSNP rs763002067, ClinGen allele CA5538884.
Genomic context (GRCh38, chr10:70,598,805, plus strand): 5'-AGTACTGCTCGGGCCCGGCCTGGATCCCGAACAGCAGGTCGTTAATGGAGGTGTGATGGC[C>T]GCCAACCACTTCCGAGTGGCGCTCCCGGTAGGTTTGGTGGAAGGAGGCCGTCATCTTGTG-3'
Protein context (NP_001076585.1, residues 296-316): YRERHSEVVG[Gly306Ser]HHTSINDLLF